The following is an entry in ClinVar:

ClinVar aggregate classification (germline): Uncertain significance. Review status: criteria provided, multiple submitters, no conflicts (2 of 4 stars). 2 submissions from 2 submitters: Uncertain significance (2). Last evaluated 2024-12-16.

Allele frequency attached by ClinVar (database versions not stated): ExAC 0.00003; gnomAD exomes 0.00007; ESP Exome Variant Server 0.00015; TOPMed 0.00023; gnomAD 0.00024 and 0.00025.
gnomAD v4.1: 103 of 1,613,980 alleles (0.0064%); highest among the groups gnomAD compares: African/African-American, 0.085%; no homozygotes.

Submissions (2):

Labcorp Genetics (formerly Invitae), Labcorp
Classification: Uncertain significance. Last evaluated: 2024-12-16. Review status: criteria provided, single submitter. Criteria: Invitae Variant Classification Sherloc (09022015). Collection method: clinical testing. Allele origin: germline.
Comment: This sequence change replaces arginine, which is basic and polar, with histidine, which is basic and polar, at codon 265 of the ATPAF2 protein (p.Arg265His). This variant is present in population databases (rs113420520, gnomAD 0.07%), and has an allele count higher than expected for a pathogenic variant. This variant has not been reported in the literature in individuals affected with ATPAF2-related conditions. ClinVar contains an entry for this variant (Variation ID: 1449714). Invitae Evidence Modeling of protein sequence and biophysical properties (such as structural, functional, and spatial information, amino acid conservation, physicochemical variation, residue mobility, and thermodynamic stability) indicates that this missense variant is expected to disrupt ATPAF2 protein function with a positive predictive value of 80%. In summary, the available evidence is currently insufficient to determine the role of this variant in disease. Therefore, it has been classified as a Variant of Uncertain Significance.

Ambry Genetics
Classification: Uncertain significance. Last evaluated: 2024-08-12. Review status: criteria provided, single submitter. Criteria: Ambry Variant Classification Scheme 2023. Collection method: clinical testing. Allele origin: germline.

NM_145691.4(ATPAF2):c.794G>A (p.Arg265His)

Gene: ATPAF2 (ATP synthase mitochondrial F1 complex assembly factor 2; minus strand). Cytogenetic location: 17p11.2.
Variant type: single nucleotide variant.
Coding change: c.794G>A on transcript NM_145691.4 (MANE Select); coding-DNA position 794, G replaced by A.
Protein change: p.Arg265His; replaces arginine 265 with histidine.
Molecular consequence: missense variant.
Genome position (GRCh38, 1-based): chr17:18,018,625, C>T on the plus strand (G>A on the coding strand, the complement: ATPAF2 is on the minus strand). VCF-style: chr17-18018625-C-T. GRCh37 (hg19) VCF-style: chr17-17921939-C-T.
Other names: c.794G>A (NM_145691.3); short protein forms R265H.
Identifiers: ClinVar variation 1449714 (VCV001449714.7), dbSNP rs113420520, ClinGen allele CA8421744.
Genomic context (GRCh38, chr17:18,018,625, plus strand): 5'-TTGTGCTTGACTGTGGTGCTCTCGGAGCAGAGATGGATGAAGAGGGTGCCGGCGGCGGTG[C>T]GGGCCCGCAGCTCCTGCAGCTCATAGTCATGGGCCCACTCAATGTTGCCCCACTTCTGGA-3'
Protein context (NP_663729.1, residues 255-275): HDYELQELRA[Arg265His]TAAGTLFIHL